The following is an entry in ClinVar:

NM_004369.4(COL6A3):c.4435C>T (p.Gln1479Ter)

Gene: COL6A3 (collagen type VI alpha 3 chain; minus strand). Cytogenetic location: 2q37.3.
Variant type: single nucleotide variant.
Coding change: c.4435C>T on transcript NM_004369.4 (MANE Select); coding-DNA position 4435, C replaced by T.
Protein change: p.Gln1479Ter; replaces glutamine 1479 with a stop codon.
Molecular consequence: nonsense.
Genome position (GRCh38, 1-based): chr2:237,369,028, G>A on the plus strand (C>T on the coding strand, the complement: COL6A3 is on the minus strand). VCF-style: chr2-237369028-G-A. GRCh37 (hg19) VCF-style: chr2-238277671-G-A.
Other names: c.2614C>T, p.Gln872Ter (NM_057166.5); c.3817C>T, p.Gln1273Ter (NM_057167.4); short protein forms Q1273*, Q1479*, Q872*.
Identifiers: ClinVar variation 4798918 (VCV004798918.1).

ClinVar aggregate classification (germline): Pathogenic (1 of 4 stars; one submission).

Conditions:
Bethlem myopathy 1A. Also called: MYOPATHY, BENIGN CONGENITAL, WITH CONTRACTURES; Bethlem myopathy 1; Bethlem Muscular Dystrophy. Identifiers: Orphanet 610, MedGen CN029274, MONDO:0024530, OMIM 158810.

Submission:

Labcorp Genetics (formerly Invitae), Labcorp
Classification: Pathogenic for Bethlem myopathy 1A. Last evaluated: 2026-01-08. Review status: criteria provided, single submitter. Criteria: Invitae Variant Classification Sherloc (09022015). Collection method: clinical testing. Allele origin: germline.
Comment: This sequence change creates a premature translational stop signal (p.Gln1479*) in the COL6A3 gene. It is expected to result in an absent or disrupted protein product. Loss-of-function variants in COL6A3 are known to be pathogenic (PMID: 26004199). This variant is not present in population databases (gnomAD no frequency). This variant has not been reported in the literature in individuals affected with COL6A3-related conditions. For these reasons, this variant has been classified as Pathogenic.

Literature cited by the submitters: PubMed 26004199.